The following is an entry in ClinVar:

ClinVar aggregate classification (germline): Uncertain significance (1 of 4 stars; one submission).

Allele frequency attached by ClinVar (database versions not stated): gnomAD exomes below 0.00001; ExAC 0.00001.
gnomAD v4.1: 1 of 1,613,944 alleles (0.000062%); highest among the groups gnomAD compares: South Asian, 0.0011%; no homozygotes.

Submission:

Ambry Genetics
Classification: Uncertain significance. Last evaluated: 2022-04-24. Review status: criteria provided, single submitter. Criteria: Ambry Variant Classification Scheme 2023. Collection method: clinical testing. Allele origin: germline.
Comment: The p.T559A variant (also known as c.1675A>G), located in coding exon 17 of the KIF1B gene, results from an A to G substitution at nucleotide position 1675. The threonine at codon 559 is replaced by alanine, an amino acid with similar properties. This amino acid position is conserved. In addition, this alteration is predicted to be deleterious by in silico analysis. Since supporting evidence is limited at this time, the clinical significance of this alteration remains unclear.

NM_001365951.3(KIF1B):c.1813A>G (p.Thr605Ala)

Gene: KIF1B (kinesin family member 1B; plus strand). Cytogenetic location: 1p36.22.
Variant type: single nucleotide variant.
Coding change: c.1813A>G on transcript NM_001365951.3 (MANE Select); coding-DNA position 1813, A replaced by G.
Protein change: p.Thr605Ala; replaces threonine 605 with alanine.
Molecular consequence: missense variant.
Genome position (GRCh38, 1-based): chr1:10,296,617, A>G. VCF-style: chr1-10296617-A-G. GRCh37 (hg19) VCF-style: chr1-10356675-A-G.
Other names: c.1813A>G, p.Thr605Ala (NM_001365952.1); c.1675A>G, p.Thr559Ala (NM_001365953.1, NM_015074.3, NM_183416.4); short protein forms T559A, T605A.
Identifiers: ClinVar variation 1777772 (VCV001777772.2), dbSNP rs750733389, ClinGen allele CA581094.